The following is an entry in ClinVar:

ClinVar aggregate classification (germline): Uncertain significance (1 of 4 stars; one submission).

Conditions:
Early-infantile DEE. Also called: Early infantile epileptic encephalopathy with suppression bursts; Early infantile epileptic encephalopathy; Ohtahara syndrome. Identifiers: Orphanet 1934, MedGen C0393706, MONDO:0800491.

Submission:

Labcorp Genetics (formerly Invitae), Labcorp
Classification: Uncertain significance for Early-infantile DEE. Last evaluated: 2022-08-22. Review status: criteria provided, single submitter. Criteria: Invitae Variant Classification Sherloc (09022015). Collection method: clinical testing. Allele origin: germline.
Comment: In summary, the available evidence is currently insufficient to determine the role of this variant in disease. Therefore, it has been classified as a Variant of Uncertain Significance. Algorithms developed to predict the effect of missense changes on protein structure and function (SIFT, PolyPhen-2, Align-GVGD) all suggest that this variant is likely to be tolerated. This variant has not been reported in the literature in individuals affected with SPTAN1-related conditions. This variant is not present in population databases (gnomAD no frequency). This sequence change replaces leucine, which is neutral and non-polar, with serine, which is neutral and polar, at codon 786 of the SPTAN1 protein (p.Leu786Ser).

NM_001130438.3(SPTAN1):c.2357T>C (p.Leu786Ser)

Gene: SPTAN1 (spectrin alpha, non-erythrocytic 1; plus strand). Cytogenetic location: 9q34.11.
Variant type: single nucleotide variant.
Coding change: c.2357T>C on transcript NM_001130438.3 (MANE Select); coding-DNA position 2357, T replaced by C.
Protein change: p.Leu786Ser; replaces leucine 786 with serine.
Molecular consequence: missense variant.
Genome position (GRCh38, 1-based): chr9:128,584,445, T>C. VCF-style: chr9-128584445-T-C. GRCh37 (hg19) VCF-style: chr9-131346724-T-C.
Other names: c.2357T>C, p.Leu786Ser (NM_001195532.2, NM_001363759.2, NM_001363765.2 and 5 more transcripts); c.2393T>C, p.Leu798Ser (NM_001375312.2, NM_001375318.1); short protein forms L786S, L798S.
Identifiers: ClinVar variation 1713552 (VCV001713552.5), dbSNP rs2541201613, ClinGen allele CA375057542.
Genomic context (GRCh38, chr9:128,584,445, plus strand): 5'-ATGAGGCACTCAAGGAGCCCATGGTTGCCCGGAAGCAGAAGCTGGCCGATTCTCTGCGGT[T>C]GCAGCAGCTCTTCCGGGATGTTGAGGATGAGGAGACGTGGATTCGAGAGAAAGAGCCCAT-3'
Protein context (NP_001123910.1, residues 776-796): RKQKLADSLR[Leu786Ser]QQLFRDVEDE